The following is an entry in ClinVar:

ClinVar aggregate classification (germline): Uncertain significance (1 of 4 stars; one submission).

Conditions:
Fanconi anemia complementation group O. Also called: RAD51C-Related Fanconi Anemia. Identifiers: Orphanet 84, MedGen C3150653, MONDO:0013248, OMIM 613390.

Submission:

Labcorp Genetics (formerly Invitae), Labcorp
Classification: Uncertain significance for Fanconi anemia complementation group O. Last evaluated: 2024-10-16. Review status: criteria provided, single submitter. Criteria: Invitae Variant Classification Sherloc (09022015). Collection method: clinical testing. Allele origin: germline.
Comment: This sequence change falls in intron 7 of the RAD51C gene. It does not directly change the encoded amino acid sequence of the RAD51C protein. It affects a nucleotide within the consensus splice site. This variant is not present in population databases (gnomAD no frequency). This variant has not been reported in the literature in individuals affected with RAD51C-related conditions. Variants that disrupt the consensus splice site are a relatively common cause of aberrant splicing (PMID: 17576681, 9536098). Algorithms developed to predict the effect of sequence changes on RNA splicing suggest that this variant is not likely to affect RNA splicing. In summary, the available evidence is currently insufficient to determine the role of this variant in disease. Therefore, it has been classified as a Variant of Uncertain Significance.

Literature cited by the submitters: PubMed 17576681; PubMed 9536098.

NM_058216.3(RAD51C):c.965+3C>G

Gene: RAD51C (RAD51 paralog C; plus strand). Cytogenetic location: 17q22.
Variant type: single nucleotide variant.
Coding change: c.965+3C>G on transcript NM_058216.3 (MANE Select); 3 bases into the intron after coding-DNA position 965, C replaced by G.
Molecular consequence: intron variant.
Genome position (GRCh38, 1-based): chr17:58,724,103, C>G. VCF-style: chr17-58724103-C-G. GRCh37 (hg19) VCF-style: chr17-56801464-C-G.
Identifiers: ClinVar variation 2854212 (VCV002854212.3), dbSNP rs2143963415, ClinGen allele CA2733820345.
Genomic context (GRCh38, chr17:58,724,103, plus strand): 5'-AAAGTTGGGGACATGCTGCTACAATACGGCTAATCTTTCATTGGGACCGAAAGCAAAGGT[C>G]AGTACAGAAACAAGTTAATAACTCCGAATATTGGGTTAATTATACTGAATGAACACTTAC-3'